The following is an entry in ClinVar:

ClinVar aggregate classification (germline): Likely benign. Review status: criteria provided, multiple submitters, no conflicts (2 of 4 stars). 2 submissions from 2 submitters: Likely benign (2). Last evaluated 2025-12-24.

Conditions:
Alstrom syndrome (ALMS). Identifiers: Orphanet 64, MedGen C0268425, MONDO:0008763, OMIM 203800.

Allele frequency attached by ClinVar (database versions not stated): gnomAD exomes below 0.00001.
gnomAD v4.1: 2 of 1,614,084 alleles (0.00012%); highest among the groups gnomAD compares: Non-Finnish European, 0.00017%; no homozygotes.

Submissions (2):

Labcorp Genetics (formerly Invitae), Labcorp
Classification: Likely benign for Alstrom syndrome. Last evaluated: 2025-12-24. Review status: criteria provided, single submitter. Criteria: Invitae Variant Classification Sherloc (09022015). Collection method: clinical testing. Allele origin: germline.

GeneDx
Classification: Likely benign. Last evaluated: 2018-01-11. Review status: criteria provided, single submitter. Criteria: GeneDx Variant Classification (06012015). Collection method: clinical testing. Allele origin: germline. Affected: yes.
Comment: This variant is considered likely benign or benign based on one or more of the following criteria: it is a conservative change, it occurs at a poorly conserved position in the protein, it is predicted to be benign by multiple in silico algorithms, and/or has population frequency not consistent with disease.

NM_001378454.1(ALMS1):c.10213+7A>G

Gene: ALMS1 (ALMS1 centrosome and basal body associated protein; plus strand). Cytogenetic location: 2p13.1.
Variant type: single nucleotide variant.
Coding change: c.10213+7A>G on transcript NM_001378454.1 (MANE Select); 7 bases into the intron after coding-DNA position 10213, A replaced by G.
Molecular consequence: intron variant.
Genome position (GRCh38, 1-based): chr2:73,557,361, A>G. VCF-style: chr2-73557361-A-G. GRCh37 (hg19) VCF-style: chr2-73784488-A-G.
Other names: c.10216+7A>G (NM_015120.4); c.10213+7A>G (NM_015120.4).
Identifiers: ClinVar variation 514489 (VCV000514489.9), dbSNP rs1553416882, ClinGen allele CA658795823.
Genomic context (GRCh38, chr2:73,557,361, plus strand): 5'-TGACTGAGGCTGCCCAGGCTAAAGAAAAAGAATCTTTGCAGAAAGATACTGCAGGTAGCT[A>G]AACTGGATTGTCTGCGTATTATTTTCTTCTGGTCTTCTAAAATGAGACTATTCCCTTAAG-3'